The following is an entry in ClinVar:

ClinVar aggregate classification (germline): Uncertain significance. Review status: criteria provided, multiple submitters, no conflicts (2 of 4 stars). 2 submissions from 2 submitters: Uncertain significance (2). Last evaluated 2022-05-11.

Conditions:
Neuromuscular disease caused by qualitative or quantitative defects of dysferlin. Also called: Dysferlinopathy; Qualitative or quantitative defects of dysferlin. Identifiers: Orphanet 207073, MedGen C2931687, MONDO:0016145.

Allele frequency attached by ClinVar (database versions not stated): gnomAD exomes below 0.00001 and 0.00002; TOPMed below 0.00001; ExAC 0.00002.
gnomAD v4.1: 25 of 1,614,008 alleles (0.0015%); highest among the groups gnomAD compares: African/African-American, 0.0027%; no homozygotes.

Submissions (2):

Labcorp Genetics (formerly Invitae), Labcorp
Classification: Uncertain significance for Neuromuscular disease caused by qualitative or quantitative defects of dysferlin. Last evaluated: 2022-05-11. Review status: criteria provided, single submitter. Criteria: Invitae Variant Classification Sherloc (09022015). Collection method: clinical testing. Allele origin: germline.
Comment: This sequence change replaces threonine, which is neutral and polar, with methionine, which is neutral and non-polar, at codon 74 of the DYSF protein (p.Thr74Met). This variant is present in population databases (rs767340310, gnomAD 0.003%). This variant has not been reported in the literature in individuals affected with DYSF-related conditions. ClinVar contains an entry for this variant (Variation ID: 288625). Advanced modeling of protein sequence and biophysical properties (such as structural, functional, and spatial information, amino acid conservation, physicochemical variation, residue mobility, and thermodynamic stability) performed at Invitae indicates that this missense variant is not expected to disrupt DYSF protein function. In summary, the available evidence is currently insufficient to determine the role of this variant in disease. Therefore, it has been classified as a Variant of Uncertain Significance.

Eurofins Ntd Llc (ga)
Classification: Uncertain significance. Last evaluated: 2016-06-08. Review status: criteria provided, single submitter. Criteria: EGL Classification Definitions 2015. Collection method: clinical testing. Allele origin: germline. Observed: 1 variant allele, 1 heterozygote.

NM_001130987.2(DYSF):c.224C>T (p.Thr75Met)

Gene: DYSF (dysferlin; plus strand). Cytogenetic location: 2p13.2.
Variant type: single nucleotide variant.
Coding change: c.224C>T on transcript NM_001130987.2 (MANE Select); coding-DNA position 224, C replaced by T.
Protein change: p.Thr75Met; replaces threonine 75 with methionine.
Molecular consequence: missense variant.
Genome position (GRCh38, 1-based): chr2:71,481,955, C>T. VCF-style: chr2-71481955-C-T. GRCh37 (hg19) VCF-style: chr2-71709085-C-T.
Other names: c.224C>T, p.Thr75Met (NM_001130455.2, NM_001130982.2, NM_001130983.2 and 3 more transcripts); c.221C>T, p.Thr74Met (NM_001130976.2, NM_001130977.2, NM_001130978.2 and 4 more transcripts); short protein forms T74M, T75M.
Identifiers: ClinVar variation 288625 (VCV000288625.7), dbSNP rs767340310, ClinGen allele CA1705259.